The following is an entry in ClinVar:

ClinVar aggregate classification (germline): Uncertain significance (1 of 4 stars; one submission).

Conditions:
Acromesomelic dysplasia 1, Maroteaux type (AMD1). Also called: ACROMESOMELIC DYSPLASIA 1; ST. HELENA DYSPLASIA. Identifiers: Orphanet 40, MedGen C1864356, MONDO:0011275, OMIM 602875.

Allele frequency attached by ClinVar (database versions not stated): gnomAD exomes below 0.00001.
gnomAD v4.1: 1 of 1,614,170 alleles (0.000062%); highest among the groups gnomAD compares: Non-Finnish European, 0.000085%; no homozygotes.

Submission:

Hacettepe Genetic Diseases Diagnosis Center, Hacettepe University Faculty of Medicine
Classification: Uncertain significance for Acromesomelic dysplasia 1, Maroteaux type. Last evaluated: 2020-04-26. Review status: criteria provided, single submitter. Criteria: ACMG Guidelines, 2015. Collection method: clinical testing. Allele origin: germline. Inheritance: Autosomal recessive inheritance. Affected: yes. Observed: 1 homozygote.
Comment: Sequencing analysis of the NPR2 gene revealed a homozygous mutation NM_003995.4:c.1013A>G (p.Tyr338Cys), which was decribed previously in patients with Acromesomelic dysplasia Maroteaux-type and proposed to affect the protein side-chain structures (Bartels et al., 2004). Furthermore, in vitro analysis confirmed that the identified variant causes defective folding and oligomerization of the NPR-B polypeptide resulting in endoplasmic reticulum retention and impaired cellular trafficking of the receptor (Hume et al., 2009). This variant was neither found in ExAC nor 1000G. This variant was classified as uncertain significance according to the ACMG guidelines and predicted to be disease causing by bioinformatics tools like MutationTaster.

NM_003995.4(NPR2):c.1013A>G (p.Tyr338Cys)

Gene: NPR2 (natriuretic peptide receptor 2; plus strand). Cytogenetic location: 9p13.3.
Variant type: single nucleotide variant.
Coding change: c.1013A>G on transcript NM_003995.4 (MANE Select); coding-DNA position 1013, A replaced by G.
Protein change: p.Tyr338Cys; replaces tyrosine 338 with cysteine.
Molecular consequence: missense variant.
Genome position (GRCh38, 1-based): chr9:35,800,047, A>G. VCF-style: chr9-35800047-A-G. GRCh37 (hg19) VCF-style: chr9-35800044-A-G.
Other names: short protein forms Y338C.
Identifiers: ClinVar variation 873130 (VCV000873130.2), dbSNP rs1828087195, ClinGen allele CA373369750.
Genomic context (GRCh38, chr9:35,800,047, plus strand): 5'-CATTTGGAGAGTACTGCTGAAGTTGCCACCCCCAGATGAACCTCATCGCTGGCTGCTTCT[A>G]TGATGGGATCCTGCTATATGCTGAAGTCCTGAATGAGACAATACAGGAAGGAGGCACCCG-3'
Protein context (NP_003986.2, residues 328-348): SLMNLIAGCF[Tyr338Cys]DGILLYAEVL